The following is an entry in ClinVar:

ClinVar aggregate classification (germline): Uncertain significance (1 of 4 stars; one submission).

Conditions:
Intellectual developmental disorder, autosomal dominant 1. Also called: Intellectual disability, autosomal dominant 1; MBD5 Haploinsufficiency. Identifiers: Orphanet 228402, MedGen C1969562, MONDO:0007974, OMIM 156200.

Allele frequency attached by ClinVar (database versions not stated): TOPMed below 0.00001; ExAC 0.00001; gnomAD exomes 0.00001.
gnomAD v4.1: 20 of 1,614,012 alleles (0.0012%); highest among the groups gnomAD compares: Middle Eastern, 0.016%; no homozygotes.

Submission:

Labcorp Genetics (formerly Invitae), Labcorp
Classification: Uncertain significance for Intellectual developmental disorder, autosomal dominant 1. Last evaluated: 2025-08-21. Review status: criteria provided, single submitter. Criteria: Invitae Variant Classification Sherloc (09022015). Collection method: clinical testing. Allele origin: germline.
Comment: This sequence change replaces alanine, which is neutral and non-polar, with valine, which is neutral and non-polar, at codon 1142 of the MBD5 protein (p.Ala1142Val). This variant is present in population databases (rs767306594, gnomAD 0.003%). This variant has not been reported in the literature in individuals affected with MBD5-related conditions. ClinVar contains an entry for this variant (Variation ID: 1364714). Experimental studies and prediction algorithms are not available or were not evaluated, and the functional significance of this variant is currently unknown. In summary, the available evidence is currently insufficient to determine the role of this variant in disease. Therefore, it has been classified as a Variant of Uncertain Significance.

NM_001378120.1(MBD5):c.4124C>T (p.Ala1375Val)

Gene: MBD5 (methyl-CpG binding domain protein 5; plus strand). Cytogenetic location: 2q23.1.
Variant type: single nucleotide variant.
Coding change: c.4124C>T on transcript NM_001378120.1 (MANE Select); coding-DNA position 4124, C replaced by T.
Protein change: p.Ala1375Val; replaces alanine 1375 with valine.
Molecular consequence: missense variant.
Genome position (GRCh38, 1-based): chr2:148,489,756, C>T. VCF-style: chr2-148489756-C-T. GRCh37 (hg19) VCF-style: chr2-149247325-C-T.
Other names: c.3425C>T, p.Ala1142Val (NM_018328.5); short protein forms A1142V, A1375V.
Identifiers: ClinVar variation 1364714 (VCV001364714.6), dbSNP rs767306594, ClinGen allele CA1900378.